The following is an entry in ClinVar:

ClinVar aggregate classification (germline): Uncertain significance. Review status: criteria provided, multiple submitters, no conflicts (2 of 4 stars). 2 submissions from 2 submitters: Uncertain significance (2). Last evaluated 2026-01-13.

Conditions:
Alzheimer disease 3 (AD3). Also called: ALZHEIMER DISEASE, FAMILIAL, 3. Identifiers: Orphanet 1020, MedGen C1843013, MONDO:0011913, OMIM 607822.
Acne inversa, familial, 3 (ACNINV3). Identifiers: MedGen C3151038, MONDO:0013398, OMIM 613737.
Pick disease. Also called: PICK DISEASE OF BRAIN; Pick Disease of the Brain; DEMENTIA WITH LOBAR ATROPHY AND NEURONAL CYTOPLASMIC INCLUSIONS; LOBAR ATROPHY OF BRAIN; Pick's disease. Identifiers: Orphanet 282, MedGen C0236642, MONDO:0008243, OMIM 172700.
Frontotemporal dementia (FTD1). Also called: WILHELMSEN-LYNCH DISEASE; Frontotemporal lobe dementia (FLDEM); Dementia, frontotemporal, with or without parkinsonism; Frontotemporal Dementia with Parkinsonism-17 (FTDP-17); FRONTOTEMPORAL DEMENTIA WITH PARKINSONISM; FRONTOTEMPORAL LOBE DEMENTIA. Identifiers: Orphanet 282, MedGen C0338451, MONDO:0017276, OMIM 600274, HP:0002145.

Submissions (2):

Women's Health and Genetics/Laboratory Corporation of America, LabCorp
Classification: Uncertain significance. Last evaluated: 2026-01-13. Review status: criteria provided, single submitter. Criteria: LabCorp Variant Classification Summary - May 2015. Collection method: clinical testing. Allele origin: germline.
Comment: Variant summary: PSEN1 c.123A>T (p.Arg41Ser) results in a non-conservative amino acid change in the encoded protein sequence. Algorithms developed to predict the effect of missense changes on protein structure and function all suggest that this variant is likely to be disruptive. The variant was absent in 251382 control chromosomes (gnomAD). The available data on variant occurrences in the general population are insufficient to allow any conclusion about variant significance. c.123A>T has been observed in one individual affected with early onset Parkinsonism (Gatto_2020). The report does not provide unequivocal conclusions about association of the variant with Alzheimer Disease, Type 3. To our knowledge, no experimental evidence demonstrating an impact on protein function has been reported. The following publication has been ascertained in the context of this evaluation (PMID: 32590294). ClinVar contains an entry for this variant (Variation ID: 1968278). Based on the evidence outlined above, the variant was classified as uncertain significance.

Labcorp Genetics (formerly Invitae), Labcorp
Classification: Uncertain significance for Alzheimer disease 3; Pick disease; Acne inversa, familial, 3; Frontotemporal dementia. Last evaluated: 2022-03-06. Review status: criteria provided, single submitter. Criteria: Invitae Variant Classification Sherloc (09022015). Collection method: clinical testing. Allele origin: germline.
Comment: This missense change has been observed in individual(s) with early-onset Parkinsonism (PMID: 32590294). In summary, the available evidence is currently insufficient to determine the role of this variant in disease. Therefore, it has been classified as a Variant of Uncertain Significance. Advanced modeling of protein sequence and biophysical properties (such as structural, functional, and spatial information, amino acid conservation, physicochemical variation, residue mobility, and thermodynamic stability) performed at Invitae indicates that this missense variant is not expected to disrupt PSEN1 protein function. This variant is not present in population databases (gnomAD no frequency). This sequence change replaces arginine, which is basic and polar, with serine, which is neutral and polar, at codon 41 of the PSEN1 protein (p.Arg41Ser).

Literature cited by the submitters: PubMed 32590294 (cited by Women's Health and Genetics/Laboratory Corporation of America, LabCorp and Labcorp Genetics (formerly Invitae), Labcorp).

NM_000021.4(PSEN1):c.123A>T (p.Arg41Ser)

Gene: PSEN1 (presenilin 1; plus strand). Cytogenetic location: 14q24.2.
Variant type: single nucleotide variant.
Coding change: c.123A>T on transcript NM_000021.4 (MANE Select); coding-DNA position 123, A replaced by T.
Protein change: p.Arg41Ser; replaces arginine 41 with serine.
Molecular consequence: missense variant.
Genome position (GRCh38, 1-based): chr14:73,170,832, A>T. VCF-style: chr14-73170832-A-T. GRCh37 (hg19) VCF-style: chr14-73637540-A-T.
Other names: c.111A>T, p.Arg37Ser (NM_007318.3); short protein forms R37S, R41S.
Identifiers: ClinVar variation 1968278 (VCV001968278.6), dbSNP rs997923176, ClinGen allele CA390302549.
Genomic context (GRCh38, chr14:73,170,832, plus strand): 5'-GAAAATGTTTTTCTTGTGCTTATAGAATGACAATAGAGAACGGCAGGAGCACAACGACAG[A>T]CGGAGCCTTGGCCACCCTGAGCCATTATCTAATGGACGACCCCAGGGTAACTCCCGGCAG-3'
Protein context (NP_000012.1, residues 31-51): DNRERQEHND[Arg41Ser]RSLGHPEPLS